The following is an entry in ClinVar:

NM_000051.4(ATM):c.8584+13T>C

Genes: ATM (ATM serine/threonine kinase; plus strand), C11orf65 (chromosome 11 open reading frame 65; minus strand). Cytogenetic location: 11q22.3.
Variant type: single nucleotide variant.
Coding change: c.8584+13T>C on transcript NM_000051.4 (MANE Select); 13 bases into the intron after coding-DNA position 8584, T replaced by C.
Molecular consequence: intron variant.
Genome position (GRCh38, 1-based): chr11:108,345,921, T>C. VCF-style: chr11-108345921-T-C. GRCh37 (hg19) VCF-style: chr11-108216648-T-C.
Other names: c.8584+13T>C (NM_001351834.2); c.641-36850A>G (NM_001330368.2); c.695-10629A>G (NM_001351110.2).
Identifiers: ClinVar variation 386012 (VCV000386012.3), dbSNP rs1057522394, ClinGen allele CA16606854.

ClinVar aggregate classification (germline): Likely benign (1 of 4 stars; one submission).

Submission:

GeneDx
Classification: Likely benign. Last evaluated: 2016-05-03. Review status: criteria provided, single submitter. Criteria: GeneDx Variant Classification (06012015). Collection method: clinical testing. Allele origin: germline. Affected: yes.
Comment: This variant is considered likely benign or benign based on one or more of the following criteria: it is a conservative change, it occurs at a poorly conserved position in the protein, it is predicted to be benign by multiple in silico algorithms, and/or has population frequency not consistent with disease.